The following is an entry in ClinVar:

NM_182746.3(MCM4):c.2381C>G (p.Ser794Cys)

Gene: MCM4 (minichromosome maintenance complex component 4; plus strand). Cytogenetic location: 8q11.21.
Variant type: single nucleotide variant.
Coding change: c.2381C>G on transcript NM_182746.3 (MANE Select); coding-DNA position 2381, C replaced by G.
Protein change: p.Ser794Cys; replaces serine 794 with cysteine.
Molecular consequence: missense variant.
Genome position (GRCh38, 1-based): chr8:47,975,730, C>G. VCF-style: chr8-47975730-C-G. GRCh37 (hg19) VCF-style: chr8-48888290-C-G.
Other names: c.2381C>G, p.Ser794Cys (NM_005914.4); short protein forms S794C.
Identifiers: ClinVar variation 3623097 (VCV003623097.2).

ClinVar aggregate classification (germline): Uncertain significance (1 of 4 stars; one submission).

gnomAD v4.1: 8 of 1,571,570 alleles (0.00051%); highest among the groups gnomAD compares: Non-Finnish European, 0.00069%; no homozygotes.

Submission:

Labcorp Genetics (formerly Invitae), Labcorp
Classification: Uncertain significance. Last evaluated: 2025-12-22. Review status: criteria provided, single submitter. Criteria: Invitae Variant Classification Sherloc (09022015). Collection method: clinical testing. Allele origin: germline.
Comment: This sequence change replaces serine, which is neutral and polar, with cysteine, which is neutral and slightly polar, at codon 794 of the MCM4 protein (p.Ser794Cys). This variant is not present in population databases (gnomAD no frequency). This variant has not been reported in the literature in individuals affected with MCM4-related conditions. ClinVar contains an entry for this variant (Variation ID: 3623097). Invitae Evidence Modeling of protein sequence and biophysical properties (such as structural, functional, and spatial information, amino acid conservation, physicochemical variation, residue mobility, and thermodynamic stability) indicates that this missense variant is not expected to disrupt MCM4 protein function with a negative predictive value of 80%. In summary, the available evidence is currently insufficient to determine the role of this variant in disease. Therefore, it has been classified as a Variant of Uncertain Significance.